The following is an entry in ClinVar:

ClinVar aggregate classification (germline): Uncertain significance. Review status: criteria provided, multiple submitters, no conflicts (2 of 4 stars). 3 submissions from 3 submitters: Uncertain significance (2). 1 of the submissions does not count toward it. Last evaluated 2024-02-24.

Conditions:
Cholestanol storage disease (CTX). Also called: CEREBRAL CHOLESTERINOSIS; CTX: Cerebrotendinous xanthomatosis; Cerebrotendinous Xanthomatosis. Identifiers: Orphanet 909, MedGen C0238052, MONDO:0008948, OMIM 213700.

gnomAD v4.1: 19 of 1,606,418 alleles (0.0012%); highest among the groups gnomAD compares: Non-Finnish European, 0.0016%; no homozygotes.

Submissions (3):

Labcorp Genetics (formerly Invitae), Labcorp
Classification: Uncertain significance for Cholestanol storage disease. Last evaluated: 2024-02-24. Review status: criteria provided, single submitter. Criteria: Invitae Variant Classification Sherloc (09022015). Collection method: clinical testing. Allele origin: germline.
Comment: This sequence change falls in intron 5 of the CYP27A1 gene. It does not directly change the encoded amino acid sequence of the CYP27A1 protein. It affects a nucleotide within the consensus splice site. This variant is present in population databases (rs370304209, gnomAD 0.005%). This variant has been observed in individual(s) with cerebrotendinous xanthomatosis (Invitae). In at least one individual the data is consistent with being in trans (on the opposite chromosome) from a pathogenic variant. ClinVar contains an entry for this variant (Variation ID: 1183252). Variants that disrupt the consensus splice site are a relatively common cause of aberrant splicing (PMID: 17576681, 9536098). Algorithms developed to predict the effect of sequence changes on RNA splicing suggest that this variant may disrupt the consensus splice site. In summary, the available evidence is currently insufficient to determine the role of this variant in disease. Therefore, it has been classified as a Variant of Uncertain Significance.

GeneDx
Classification: Uncertain significance. Last evaluated: 2020-03-06. Review status: criteria provided, single submitter. Criteria: GeneDx Variant Classification Process June 2021. Collection method: clinical testing. Allele origin: germline. Affected: yes.
Comment: In silico analysis supports a deleterious effect on splicing; Has not been previously published as pathogenic or benign to our knowledge

Natera, Inc.
Classification: Uncertain significance for Cerebrotendinous xanthomatosis. Last evaluated: 2020-02-13. Review status: no assertion criteria provided. Collection method: clinical testing. Allele origin: germline. Not counted in ClinVar's aggregate classification.

Literature cited by the submitters: PubMed 17576681 (cited by Labcorp Genetics (formerly Invitae), Labcorp); PubMed 9536098 (cited by Labcorp Genetics (formerly Invitae), Labcorp).

NM_000784.4(CYP27A1):c.1017+5G>C

Gene: CYP27A1 (cytochrome P450 family 27 subfamily A member 1; plus strand). Cytogenetic location: 2q35.
Variant type: single nucleotide variant.
Coding change: c.1017+5G>C on transcript NM_000784.4 (MANE Select); 5 bases into the intron after coding-DNA position 1017, G replaced by C.
Molecular consequence: intron variant.
Genome position (GRCh38, 1-based): chr2:218,813,101, G>C. VCF-style: chr2-218813101-G-C. GRCh37 (hg19) VCF-style: chr2-219677824-G-C.
Identifiers: ClinVar variation 1183252 (VCV001183252.8), dbSNP rs370304209, ClinGen allele CA2112773.